The following is an entry in ClinVar:

NM_000492.4(CFTR):c.242T>A (p.Phe81Tyr)

Gene: CFTR (CF transmembrane conductance regulator; plus strand). Cytogenetic location: 7q31.2.
Variant type: single nucleotide variant.
Coding change: c.242T>A on transcript NM_000492.4 (MANE Select); coding-DNA position 242, T replaced by A.
Protein change: p.Phe81Tyr; replaces phenylalanine 81 with tyrosine.
Molecular consequence: missense variant.
Genome position (GRCh38, 1-based): chr7:117,509,111, T>A. VCF-style: chr7-117509111-T-A. GRCh37 (hg19) VCF-style: chr7-117149165-T-A.
Other names: short protein forms F81Y.
Identifiers: ClinVar variation 1035472 (VCV001035472.10), dbSNP rs1798471062, ClinGen allele CA368972252.

ClinVar aggregate classification (germline): Uncertain significance. Review status: criteria provided, multiple submitters, no conflicts (2 of 4 stars). 3 submissions from 3 submitters: Uncertain significance (2). 1 of the submissions does not count toward it. Last evaluated 2024-04-15.

Conditions:
CFTR-related disorder (CFTR-RD). Also called: CFTR-related disorders; CFTR-related condition. Identifiers: MedGen C5924204, MONDO:7770004.
Cystic fibrosis (CF). Also called: MUCOVISCIDOSIS. Identifiers: Orphanet 586, MedGen C0010674, MONDO:0009061, OMIM 219700. Disease mechanism: loss of function.

Submissions (3):

Labcorp Genetics (formerly Invitae), Labcorp
Classification: Uncertain significance for Cystic fibrosis. Last evaluated: 2024-04-15. Review status: criteria provided, single submitter. Criteria: Invitae Variant Classification Sherloc (09022015). Collection method: clinical testing. Allele origin: germline.
Comment: This sequence change replaces phenylalanine, which is neutral and non-polar, with tyrosine, which is neutral and polar, at codon 81 of the CFTR protein (p.Phe81Tyr). This variant is not present in population databases (gnomAD no frequency). This variant has not been reported in the literature in individuals affected with CFTR-related conditions. ClinVar contains an entry for this variant (Variation ID: 1035472). Advanced modeling of protein sequence and biophysical properties (such as structural, functional, and spatial information, amino acid conservation, physicochemical variation, residue mobility, and thermodynamic stability) performed at Invitae indicates that this missense variant is expected to disrupt CFTR protein function with a positive predictive value of 80%. In summary, the available evidence is currently insufficient to determine the role of this variant in disease. Therefore, it has been classified as a Variant of Uncertain Significance.

Blueprint Genetics
Classification: Uncertain significance. Last evaluated: 2022-10-07. Review status: criteria provided, single submitter. Criteria: ACMG Guidelines, 2015. Collection method: clinical testing. Allele origin: germline.

Natera, Inc.
Classification: Uncertain significance for CFTR-related disorders. Last evaluated: 2019-06-28. Review status: no assertion criteria provided. Collection method: clinical testing. Allele origin: germline. Not counted in ClinVar's aggregate classification.